The following is an entry in ClinVar:

NM_000199.5(SGSH):c.1296C>T (p.Tyr432=)

Gene: SGSH (N-sulfoglucosamine sulfohydrolase; minus strand). Cytogenetic location: 17q25.3.
Variant type: single nucleotide variant.
Coding change: c.1296C>T on transcript NM_000199.5 (MANE Select); coding-DNA position 1296, C replaced by T.
Protein change: p.Tyr432=; no amino-acid change (tyrosine 432 retained).
Molecular consequence: synonymous variant. On other transcripts: 3 prime UTR variant (2), non-coding transcript variant (1).
Genome position (GRCh38, 1-based): chr17:80,210,665, G>A on the plus strand (C>T on the coding strand, the complement: SGSH is on the minus strand). VCF-style: chr17-80210665-G-A. GRCh37 (hg19) VCF-style: chr17-78184464-G-A.
Other names: c.*383C>T (NM_001352921.3); c.*346C>T (NM_001352922.2).
Identifiers: ClinVar variation 325830 (VCV000325830.61), dbSNP rs141153056, ClinGen allele CA8817625.

ClinVar aggregate classification (germline): Conflicting classifications of pathogenicity. Review status: criteria provided, conflicting classifications (1 of 4 stars). 6 submissions from 6 submitters: Uncertain significance (2); Likely benign (3). 1 of the submissions does not count toward it. Last evaluated 2026-01-26.

Conditions:
Mucopolysaccharidosis, MPS-III-A (MPS3A). Also called: Mucopolysaccharidosis type IIIA (Sanfilippo A); Mucopolysaccharidosis, type IIIA; mucopolysaccharidosis type 3A; MPS IIIA (Sanfilippo Syndrome Type A); SANFILIPPO SYNDROME A; SULFAMIDASE DEFICIENCY. Identifiers: Orphanet 581, Orphanet 79269, MedGen C0086647, MONDO:0009655, OMIM 252900.

Allele frequency attached by ClinVar (database versions not stated): 1000 Genomes Project 0.00020; 1000 Genomes Project 30x 0.00031; gnomAD exomes 0.00046 and 0.00094; ExAC 0.00047; gnomAD 0.00048 and 0.00050; TOPMed 0.00051; ESP Exome Variant Server 0.00069.

Submissions (6):

Labcorp Genetics (formerly Invitae), Labcorp
Classification: Likely benign for Mucopolysaccharidosis, MPS-III-A. Last evaluated: 2026-01-26. Review status: criteria provided, single submitter. Criteria: Invitae Variant Classification Sherloc (09022015). Collection method: clinical testing. Allele origin: germline.

CeGaT Center for Human Genetics Tuebingen
Classification: Likely benign. Last evaluated: 2025-12-01. Review status: criteria provided, single submitter. Criteria: CeGaT Center For Human Genetics Tuebingen Variant Classification Criteria Version 2. Collection method: clinical testing. Allele origin: germline. Affected: yes. Observed: 3 variant alleles.
Comment: SGSH: BP4, BP7

Blueprint Genetics
Classification: Likely benign. Last evaluated: 2024-09-18. Review status: criteria provided, single submitter. Criteria: ACMG Guidelines, 2015. Collection method: clinical testing. Allele origin: germline.

Genome-Nilou Lab
Classification: Uncertain significance for Mucopolysaccharidosis, MPS-III-A. Last evaluated: 2021-11-07. Review status: criteria provided, single submitter. Criteria: ACMG Guidelines, 2015. Collection method: clinical testing. Allele origin: germline. Affected: no.

Illumina Laboratory Services, Illumina
Classification: Uncertain significance for Mucopolysaccharidosis, MPS-III-A. Last evaluated: 2018-01-13. Review status: criteria provided, single submitter. Criteria: ICSL Variant Classification Criteria 13 December 2019. Collection method: clinical testing. Allele origin: germline.

Natera, Inc.
Classification: Uncertain significance for Mucopolysaccharidosis type IIIA. Last evaluated: 2019-11-11. Review status: no assertion criteria provided. Collection method: clinical testing. Allele origin: germline. Not counted in ClinVar's aggregate classification.